The following is an entry in ClinVar:

ClinVar aggregate classification (germline): Pathogenic. Review status: criteria provided, multiple submitters, no conflicts (2 of 4 stars). 2 submissions from 2 submitters: Pathogenic (2). Last evaluated 2022-04-16.

Conditions:
X-linked Alport syndrome (ATS1). Also called: NEPHROPATHY AND DEAFNESS, X-LINKED; COL4A5-Related Nephropathy. Identifiers: Orphanet 63, Orphanet 88917, MedGen C4746986, MONDO:0010520, OMIM 301050.

Submissions (2):

Fulgent Genetics
Classification: Pathogenic for X-linked Alport syndrome. Last evaluated: 2022-04-16. Review status: criteria provided, single submitter. Criteria: ACMG Guidelines, 2015. Collection method: clinical testing. Allele origin: unknown.

Athena Diagnostics
Classification: Pathogenic. Last evaluated: 2020-08-05. Review status: criteria provided, single submitter. Criteria: Athena Diagnostics Criteria. Collection method: clinical testing. Allele origin: unknown.
Comment: The variant disrupts a canonical splice site, and is therefore predicted to result in the loss of a functional protein. Found in at least one patient with expected phenotype for this gene, and not found in general population data.

NM_033380.3(COL4A5):c.2396-1G>C

Gene: COL4A5 (collagen type IV alpha 5 chain; plus strand). Cytogenetic location: Xq22.3.
Variant type: single nucleotide variant.
Coding change: c.2396-1G>C on transcript NM_033380.3 (MANE Select); the canonical splice acceptor site of the intron before coding-DNA position 2396, G replaced by C.
Molecular consequence: splice acceptor variant.
Genome position (GRCh38, 1-based): chrX:108,614,910, G>C. VCF-style: chrX-108614910-G-C. GRCh37 (hg19) VCF-style: chrX-107858140-G-C.
Other names: c.2396-1G>C (NM_000495.5).
Identifiers: ClinVar variation 994527 (VCV000994527.2), dbSNP rs886041509, ClinGen allele CA413849711.